The following is an entry in ClinVar:

ClinVar aggregate classification (germline): Likely benign (1 of 4 stars; one submission).

Allele frequency attached by ClinVar (database versions not stated): gnomAD exomes below 0.00001.
gnomAD v4.1: 1 of 1,614,108 alleles (0.000062%); highest among the groups gnomAD compares: Non-Finnish European, 0.000085%; no homozygotes.

Submission:

CeGaT Center for Human Genetics Tuebingen
Classification: Likely benign. Last evaluated: 2024-03-01. Review status: criteria provided, single submitter. Criteria: CeGaT Center For Human Genetics Tuebingen Variant Classification Criteria Version 2. Collection method: clinical testing. Allele origin: germline. Affected: yes. Observed: 1 variant allele.
Comment: ARID1B: PM2:Supporting, BP4, BP7

NM_001374828.1(ARID1B):c.2076C>T (p.His692=)

Gene: ARID1B (AT-rich interaction domain 1B; plus strand). Cytogenetic location: 6q25.3.
Variant type: single nucleotide variant.
Coding change: c.2076C>T on transcript NM_001374828.1 (MANE Select); coding-DNA position 2076, C replaced by T.
Protein change: p.His692=; no amino-acid change (histidine 692 retained).
Molecular consequence: synonymous variant.
Genome position (GRCh38, 1-based): chr6:156,901,465, C>T. VCF-style: chr6-156901465-C-T. GRCh37 (hg19) VCF-style: chr6-157222599-C-T.
Other names: c.1827C>T, p.His609= (NM_001346813.1); c.2115C>T, p.His705= (NM_001371656.1, NM_001374820.1); c.2076C>T, p.His692= (NM_017519.3); c.1866C>T, p.His622= (NM_020732.3); c.1653C>T, p.His551= (NM_175863.2).
Identifiers: ClinVar variation 3234607 (VCV003234607.20), dbSNP rs1788930830, ClinGen allele CA452935899.